The following is an entry in ClinVar:

ClinVar aggregate classification (germline): Uncertain significance. Review status: criteria provided, multiple submitters, no conflicts (2 of 4 stars). 3 submissions from 3 submitters: Uncertain significance (2). 1 of the submissions does not count toward it. Last evaluated 2025-10-14.

Conditions:
Congenital neutropenia-myelofibrosis-nephromegaly syndrome. Also called: Severe congenital neutropenia 5, autosomal recessive. Identifiers: Orphanet 369852, MedGen C3809031, MONDO:0014118, OMIM 615285.
Inborn genetic diseases. Identifiers: MedGen C0950123, MeSH D030342.

Allele frequency attached by ClinVar (database versions not stated): ExAC 0.00002; gnomAD 0.00002; ESP Exome Variant Server 0.00008; TOPMed 0.00001.
gnomAD v4.1: 28 of 1,614,022 alleles (0.0017%); highest among the groups gnomAD compares: Non-Finnish European, 0.002%; no homozygotes.

Submissions (3):

Ambry Genetics
Classification: Uncertain significance for Inborn genetic diseases. Last evaluated: 2025-10-14. Review status: criteria provided, single submitter. Criteria: Ambry Variant Classification Scheme 2023. Collection method: clinical testing. Allele origin: germline.

Labcorp Genetics (formerly Invitae), Labcorp
Classification: Uncertain significance for Congenital neutropenia-myelofibrosis-nephromegaly syndrome. Last evaluated: 2024-01-04. Review status: criteria provided, single submitter. Criteria: Invitae Variant Classification Sherloc (09022015). Collection method: clinical testing. Allele origin: germline.
Comment: This sequence change replaces alanine, which is neutral and non-polar, with valine, which is neutral and non-polar, at codon 567 of the VPS45 protein (p.Ala567Val). This variant is present in population databases (rs373074422, gnomAD 0.004%). This variant has not been reported in the literature in individuals affected with VPS45-related conditions. ClinVar contains an entry for this variant (Variation ID: 991401). Algorithms developed to predict the effect of missense changes on protein structure and function output the following: SIFT: "Not Available"; PolyPhen-2: "Benign"; Align-GVGD: "Not Available". The valine amino acid residue is found in multiple mammalian species, which suggests that this missense change does not adversely affect protein function. Algorithms developed to predict the effect of sequence changes on RNA splicing suggest that this variant may create or strengthen a splice site. In summary, the available evidence is currently insufficient to determine the role of this variant in disease. Therefore, it has been classified as a Variant of Uncertain Significance.

Natera, Inc.
Classification: Uncertain significance for Autosomal recessive severe congenital neutropenia 5. Last evaluated: 2020-10-10. Review status: no assertion criteria provided. Collection method: clinical testing. Allele origin: germline. Not counted in ClinVar's aggregate classification.

NM_007259.5(VPS45):c.1700C>T (p.Ala567Val)

Gene: VPS45 (vacuolar protein sorting 45 homolog; plus strand). Cytogenetic location: 1q21.2.
Variant type: single nucleotide variant.
Coding change: c.1700C>T on transcript NM_007259.5 (MANE Select); coding-DNA position 1700, C replaced by T.
Protein change: p.Ala567Val; replaces alanine 567 with valine.
Molecular consequence: missense variant. On other transcripts: synonymous variant (1), non-coding transcript variant (1).
Genome position (GRCh38, 1-based): chr1:150,144,783, C>T. VCF-style: chr1-150144783-C-T. GRCh37 (hg19) VCF-style: chr1-150116961-C-T.
Other names: c.1479C>T, p.Ser493= (NM_001279353.2); c.1592C>T, p.Ala531Val (NM_001279354.2); c.1700C>T (NM_007259.3); short protein forms A531V, A567V.
Identifiers: ClinVar variation 991401 (VCV000991401.7), dbSNP rs373074422, ClinGen allele CA1073483.
Genomic context (GRCh38, chr1:150,144,783, plus strand): 5'-TTCTGGCTTCTGGACTGCACAGCCGAAGCAAGGAGAGCTCTCAAGTCACATCAAGGTCAG[C>T]GAGCAGAAGATGAAACGGTGGTTGGGGGAAGGGCACAGCTTCCTCTCTTGTCCCCACTAC-3'
Protein context (NP_009190.2, residues 557-570): KESSQVTSRS[Ala567Val]SRR